The following is an entry in ClinVar:

NM_032242.4(PLXNA1):c.573C>T (p.Ile191=)

Gene: PLXNA1 (plexin A1; plus strand). Cytogenetic location: 3q21.3.
Variant type: single nucleotide variant.
Coding change: c.573C>T on transcript NM_032242.4 (MANE Select); coding-DNA position 573, C replaced by T.
Protein change: p.Ile191=; no amino-acid change (isoleucine 191 retained).
Molecular consequence: synonymous variant.
Genome position (GRCh38, 1-based): chr3:126,989,166, C>T. VCF-style: chr3-126989166-C-T. GRCh37 (hg19) VCF-style: chr3-126708009-C-T.
Other names: c.573C>T (NM_032242.3).
Identifiers: ClinVar variation 2044940 (VCV002044940.6), dbSNP rs143323039, ClinGen allele CA2592999.
Genomic context (GRCh38, chr3:126,989,166, plus strand): 5'-CGTGCTCATTGCCGGGCCACCGGGCCAGGGCCAGGCCAAGCTCTTCGTGGGCACACCCAT[C>T]GATGGCAAGTCCGAGTACTTCCCCACACTGTCCAGCCGTCGGCTCATGGCCAACGAGGAG-3'
Protein context (NP_115618.3, residues 181-201): GQAKLFVGTP[Ile191=]DGKSEYFPTL

ClinVar aggregate classification (germline): Likely benign. Review status: criteria provided, single submitter (1 of 4 stars). 2 submissions from 2 submitters: Likely benign (1). 1 of the submissions does not count toward it. Last evaluated 2022-02-28.

Conditions:
PLXNA1-related disorder. Also called: PLXNA1-related condition.

Allele frequency attached by ClinVar (database versions not stated): 1000 Genomes Project 0.00040; gnomAD exomes 0.00006; 1000 Genomes Project 30x 0.00047; TOPMed 0.00057; gnomAD 0.00058; ExAC 0.00016; ESP Exome Variant Server 0.00077.
gnomAD v4.1: 187 of 1,613,468 alleles (0.012%); highest among the groups gnomAD compares: African/African-American, 0.2%; no homozygotes.

Submissions (2):

Labcorp Genetics (formerly Invitae), Labcorp
Classification: Likely benign. Last evaluated: 2022-02-28. Review status: criteria provided, single submitter. Criteria: Invitae Variant Classification Sherloc (09022015). Collection method: clinical testing. Allele origin: germline.

PreventionGenetics, part of Exact Sciences
Classification: Likely benign for PLXNA1-related condition. Last evaluated: 2021-07-01. Review status: no assertion criteria provided. Collection method: clinical testing. Allele origin: germline. Not counted in ClinVar's aggregate classification.
Comment: This variant is classified as likely benign based on ACMG/AMP sequence variant interpretation guidelines (Richards et al. 2015 PMID: 25741868, with internal and published modifications).